The following is an entry in ClinVar:

ClinVar aggregate classification (germline): Uncertain significance (1 of 4 stars; one submission).

Conditions:
Inborn genetic diseases. Identifiers: MedGen C0950123, MeSH D030342.

Submission:

Ambry Genetics
Classification: Uncertain significance for Inborn genetic diseases. Last evaluated: 2024-11-30. Review status: criteria provided, single submitter. Criteria: Ambry Variant Classification Scheme 2023. Collection method: clinical testing. Allele origin: germline.
Comment: The p.C264S variant (also known as c.790T>A), located in coding exon 8 of the DDX41 gene, results from a T to A substitution at nucleotide position 790. The cysteine at codon 264 is replaced by serine, an amino acid with dissimilar properties. This amino acid position is conserved. In addition, the in silico prediction for this alteration is inconclusive. Based on the available evidence, the clinical significance of this variant remains unclear.

NM_016222.4(DDX41):c.790T>A (p.Cys264Ser)

Gene: DDX41 (DEAD-box helicase 41; minus strand). Cytogenetic location: 5q35.3.
Variant type: single nucleotide variant.
Coding change: c.790T>A on transcript NM_016222.4 (MANE Select); coding-DNA position 790, T replaced by A.
Protein change: p.Cys264Ser; replaces cysteine 264 with serine.
Molecular consequence: missense variant.
Genome position (GRCh38, 1-based): chr5:177,514,924, A>T on the plus strand (T>A on the coding strand, the complement: DDX41 is on the minus strand). VCF-style: chr5-177514924-A-T. GRCh37 (hg19) VCF-style: chr5-176941925-A-T.
Other names: c.412T>A, p.Cys138Ser (NM_001321732.2, NM_001321830.2); short protein forms C138S, C264S.
Identifiers: ClinVar variation 3500541 (VCV003500541.1).